The following is an entry in ClinVar:

NM_002292.4(LAMB2):c.2151G>A (p.Ser717=)

Gene: LAMB2 (laminin subunit beta 2; minus strand). Cytogenetic location: 3p21.31.
Variant type: single nucleotide variant.
Coding change: c.2151G>A on transcript NM_002292.4 (MANE Select); coding-DNA position 2151, G replaced by A.
Protein change: p.Ser717=; no amino-acid change (serine 717 retained).
Molecular consequence: synonymous variant.
Genome position (GRCh38, 1-based): chr3:49,126,365, C>T on the plus strand (G>A on the coding strand, the complement: LAMB2 is on the minus strand). VCF-style: chr3-49126365-C-T. GRCh37 (hg19) VCF-style: chr3-49163798-C-T.
Identifiers: ClinVar variation 1712361 (VCV001712361.6), dbSNP rs1424003500, ClinGen allele CA433635872.

ClinVar aggregate classification (germline): Uncertain significance. Review status: criteria provided, multiple submitters, no conflicts (2 of 4 stars). 3 submissions from 3 submitters: Uncertain significance (3). Last evaluated 2025-07-17.

Conditions:
Pierson syndrome. Also called: MICROCORIA-CONGENITAL NEPHROTIC SYNDROME. Identifiers: Orphanet 2670, MedGen C1836876, MONDO:0012184, OMIM 609049.
LAMB2-related infantile-onset nephrotic syndrome. Also called: Nephrotic Syndrome, type 5; NEPHROTIC SYNDROME, TYPE 5, WITHOUT OCULAR ABNORMALITIES; NEPHROTIC SYNDROME, TYPE 5, WITH OCULAR ABNORMALITIES. Identifiers: Orphanet 306507, MedGen C3280113, MONDO:0013621, OMIM 614199.
Kidney disorder. Also called: renal disease; renal disorder; Nephropathy; Kidney disease; Kidney Diseases. Identifiers: MedGen C0022658, MONDO:0005240, HP:0000112.

Allele frequency attached by ClinVar (database versions not stated): TOPMed below 0.00001.
gnomAD v4.1: 14 of 1,614,170 alleles (0.00087%); highest among the groups gnomAD compares: South Asian, 0.0055%; no homozygotes.

Submissions (3):

Women's Health and Genetics/Laboratory Corporation of America, LabCorp
Classification: Uncertain significance. Last evaluated: 2025-07-17. Review status: criteria provided, single submitter. Criteria: LabCorp Variant Classification Summary - May 2015. Collection method: clinical testing. Allele origin: germline.
Comment: Variant summary: LAMB2 c.2151G>A (p.Ser717Ser) alters a nucleotide located close to a canonical splice site and therefore could affect mRNA splicing, leading to a significantly altered protein sequence. Several computational tools predict a significant impact on normal splicing: Three predict the variant abolishes a 5' splicing donor site. One predict the variant weakens a 5' donor site. However, these predictions have yet to be confirmed by functional studies. The variant was absent in 251390 control chromosomes. The available data on variant occurrences in the general population are insufficient to allow any conclusion about variant significance. To our knowledge, no occurrence of c.2151G>A in individuals affected with Pierson Syndrome and no experimental evidence demonstrating its impact on protein function have been reported. ClinVar contains an entry for this variant (Variation ID: 1712361). Based on the evidence outlined above, the variant was classified as uncertain significance.

Labcorp Genetics (formerly Invitae), Labcorp
Classification: Uncertain significance for LAMB2-related infantile-onset nephrotic syndrome; Pierson syndrome. Last evaluated: 2023-10-14. Review status: criteria provided, single submitter. Criteria: Invitae Variant Classification Sherloc (09022015). Collection method: clinical testing. Allele origin: germline.
Comment: This sequence change affects codon 717 of the LAMB2 mRNA. It is a 'silent' change, meaning that it does not change the encoded amino acid sequence of the LAMB2 protein. This variant also falls at the last nucleotide of exon 16, which is part of the consensus splice site for this exon. This variant is not present in population databases (gnomAD no frequency). This variant has not been reported in the literature in individuals affected with LAMB2-related conditions. ClinVar contains an entry for this variant (Variation ID: 1712361). Variants that disrupt the consensus splice site are a relatively common cause of aberrant splicing (PMID: 17576681, 9536098). Algorithms developed to predict the effect of sequence changes on RNA splicing suggest that this variant may disrupt the consensus splice site. In summary, the available evidence is currently insufficient to determine the role of this variant in disease. Therefore, it has been classified as a Variant of Uncertain Significance.

Genome Diagnostics Laboratory, The Hospital for Sick Children
Classification: Uncertain significance for Kidney disorder. Last evaluated: 2019-08-01. Review status: criteria provided, single submitter. Criteria: ACMG Guidelines, 2015. Collection method: clinical testing. Allele origin: germline.

Literature cited by the submitters: PubMed 17576681 (cited by Labcorp Genetics (formerly Invitae), Labcorp); PubMed 9536098 (cited by Labcorp Genetics (formerly Invitae), Labcorp).